The following is an entry in ClinVar:

ClinVar aggregate classification (germline): Pathogenic (1 of 4 stars; one submission).

Submission:

Labcorp Genetics (formerly Invitae), Labcorp
Classification: Pathogenic. Last evaluated: 2023-06-09. Review status: criteria provided, single submitter. Criteria: Invitae Variant Classification Sherloc (09022015). Collection method: clinical testing. Allele origin: unknown.
Comment: For these reasons, this variant has been classified as Pathogenic. This variant has not been reported in the literature in individuals affected with EYS-related conditions. This variant is a gross deletion of the genomic region encompassing exon(s) 3-15 of the EYS gene, which includes the initiator codon. This deletion extends beyond the assayed region for this gene and therefore may encompass additional genes. It is expected to result in an absent or disrupted protein product. Loss-of-function variants in EYS are known to be pathogenic (PMID: 18836446, 20333770).

Literature cited by the submitters: PubMed 18836446; PubMed 20333770.

NC_000006.11:g.(?_65655666)_(66205886_?)del

Gene: EYS (eyes shut homolog; minus strand). Cytogenetic location: 6q12.
Variant type: Deletion.
Identifiers: ClinVar variation 3246115 (VCV003246115.1).